The following is an entry in ClinVar:

NM_000195.5(HPS1):c.641A>G (p.His214Arg)

Gene: HPS1 (HPS1 biogenesis of lysosomal organelles complex 3 subunit 1; minus strand). Cytogenetic location: 10q24.2.
Variant type: single nucleotide variant.
Coding change: c.641A>G on transcript NM_000195.5 (MANE Select); coding-DNA position 641, A replaced by G.
Protein change: p.His214Arg; replaces histidine 214 with arginine.
Molecular consequence: missense variant. On other transcripts: 5 prime UTR variant (3), intron variant (5).
Genome position (GRCh38, 1-based): chr10:98,431,158, T>C on the plus strand (A>G on the coding strand, the complement: HPS1 is on the minus strand). VCF-style: chr10-98431158-T-C. GRCh37 (hg19) VCF-style: chr10-100190915-T-C.
Other names: c.-233A>G (NM_001311345.2, NM_001322489.2); c.641A>G, p.His214Arg (NM_001322476.2, NM_001322477.2, NM_001322478.2 and 3 more transcripts); c.272A>G, p.His91Arg (NM_001322483.2, NM_001322484.2, NM_001322485.2); c.-332A>G (NM_001322487.2); c.408-488A>G (NM_001322480.2, NM_001322482.2, NM_001322481.2); c.551-488A>G (NM_001322492.2, NM_001322490.2); short protein forms H91R, H214R.
Identifiers: ClinVar variation 2138886 (VCV002138886.1), dbSNP rs937409753, ClinGen allele CA378052446.
Genomic context (GRCh38, chr10:98,431,158, plus strand): 5'-CTTTAGCCACCACATGCCAGACCTTGAGCTCACCTAGAGTAGAATGCCAGCAGCTTGGAG[T>C]GCACGAGCAGGAAGGCATGCAGGGCCTCCTCGCCTCCCCGCTCGGGGCTGGTGTTGACAG-3'
Protein context (NP_000186.2, residues 204-224): EEALHAFLLV[His214Arg]SKLLAFYSSH

ClinVar aggregate classification (germline): Uncertain significance (1 of 4 stars; one submission).

Allele frequency attached by ClinVar (database versions not stated): gnomAD 0.00001.
gnomAD v4.1: 20 of 1,613,994 alleles (0.0012%); highest among the groups gnomAD compares: Middle Eastern, 0.016%; no homozygotes.

Submission:

Labcorp Genetics (formerly Invitae), Labcorp
Classification: Uncertain significance. Last evaluated: 2022-08-20. Review status: criteria provided, single submitter. Criteria: Invitae Variant Classification Sherloc (09022015). Collection method: clinical testing. Allele origin: germline.
Comment: This sequence change replaces histidine, which is basic and polar, with arginine, which is basic and polar, at codon 214 of the HPS1 protein (p.His214Arg). This variant is present in population databases (no rsID available, gnomAD 0.003%). This variant has not been reported in the literature in individuals affected with HPS1-related conditions. Algorithms developed to predict the effect of missense changes on protein structure and function are either unavailable or do not agree on the potential impact of this missense change (SIFT: "Tolerated"; PolyPhen-2: "Possibly Damaging"; Align-GVGD: "Class C0"). In summary, the available evidence is currently insufficient to determine the role of this variant in disease. Therefore, it has been classified as a Variant of Uncertain Significance.